The following is an entry in ClinVar:

ClinVar aggregate classification (germline): Uncertain significance. Review status: criteria provided, multiple submitters, no conflicts (2 of 4 stars). 2 submissions from 2 submitters: Uncertain significance (2). Last evaluated 2025-08-08.

Conditions:
Progressive sclerosing poliodystrophy (MTDPS4A). Also called: ALPERS PROGRESSIVE INFANTILE POLIODYSTROPHY; ALPERS DIFFUSE DEGENERATION OF CEREBRAL GRAY MATTER WITH HEPATIC CIRRHOSIS; Alpers-Huttenlocher Syndrome; Alpers Syndrome; Mitochondrial DNA Depletion Syndrome 4A; NEURONAL DEGENERATION OF CHILDHOOD WITH LIVER DISEASE, PROGRESSIVE. Identifiers: Orphanet 726, MedGen C0205710, MONDO:0008758, OMIM 203700.

Submissions (2):

Labcorp Genetics (formerly Invitae), Labcorp
Classification: Uncertain significance for Progressive sclerosing poliodystrophy. Last evaluated: 2025-08-08. Review status: criteria provided, single submitter. Criteria: Invitae Variant Classification Sherloc (09022015). Collection method: clinical testing. Allele origin: germline.
Comment: This variant, c.3419_3442dup, results in the insertion of 8 amino acid(s) of the POLG protein (p.Leu1140_Tyr1147dup), but otherwise preserves the integrity of the reading frame. This variant is not present in population databases (gnomAD no frequency). This variant has not been reported in the literature in individuals affected with POLG-related conditions. ClinVar contains an entry for this variant (Variation ID: 1372754). Experimental studies and prediction algorithms are not available or were not evaluated, and the functional significance of this variant is currently unknown. In summary, the available evidence is currently insufficient to determine the role of this variant in disease. Therefore, it has been classified as a Variant of Uncertain Significance.

Blueprint Genetics
Classification: Uncertain significance. Last evaluated: 2024-08-01. Review status: criteria provided, single submitter. Criteria: ACMG Guidelines, 2015. Collection method: clinical testing. Allele origin: germline.

NM_002693.3(POLG):c.3419_3442dup (p.Leu1140_Tyr1147dup)

Gene: POLG (DNA polymerase gamma, catalytic subunit; minus strand). Cytogenetic location: 15q26.1.
Variant type: Duplication.
Coding change: c.3419_3442dup on transcript NM_002693.3 (MANE Select); coding-DNA positions 3419 to 3442, 24 bases duplicated (TGGTGCGGGAGGAGGACCGCTACC).
Protein change: p.Leu1140_Tyr1147dup.
Molecular consequence: inframe insertion.
Genome position (GRCh38, 1-based): chr15:89,318,581-89,318,604, GGTAGCGGTCCTCCTCCCGCACCA duplicated on the plus strand (TGGTGCGGGAGGAGGACCGCTACC on the coding strand, the reverse complement: POLG is on the minus strand); duplicating any 24 consecutive bases within chr15:89,318,581-89,318,611 gives the same sequence; the c. name uses the placement nearest the transcript's 3' end. VCF-style (leftmost placement, unchanged base first): chr15-89318580-C-CGGTAGCGGTCCTCCTCCCGCACCA. GRCh37 (hg19) VCF-style: chr15-89861811-C-CGGTAGCGGTCCTCCTCCCGCACCA.
Other names: c.3419_3442dup, p.Leu1140_Tyr1147dup (NM_001126131.2).
Identifiers: ClinVar variation 1372754 (VCV001372754.7), dbSNP rs2055342092, ClinGen allele CA2194541630.